The following is an entry in ClinVar:

NM_000551.4(VHL):c.340+2T>G

Gene: VHL (von Hippel-Lindau tumor suppressor; plus strand). Cytogenetic location: 3p25.3.
Variant type: single nucleotide variant.
Coding change: c.340+2T>G on transcript NM_000551.4 (MANE Select); the canonical splice donor site of the intron after coding-DNA position 340, T replaced by G.
Molecular consequence: splice donor variant.
Genome position (GRCh38, 1-based): chr3:10,142,189, T>G. VCF-style: chr3-10142189-T-G. GRCh37 (hg19) VCF-style: chr3-10183873-T-G.
Other names: c.340+2T>G (NM_001354723.2, NM_198156.3).
Identifiers: ClinVar variation 2945027 (VCV002945027.4), dbSNP rs1407805768, ClinGen allele CA351751384.
Genomic context (GRCh38, chr3:10,142,189, plus strand): 5'-GCCGCAGCCCTACCCAACGCTGCCGCCTGGCACGGGCCGCCGCATCCACAGCTACCGAGG[T>G]ACGGGCCCGGCGCTTAGGCCCGACCCAGCAGGGACGATAGCACGGTCTGAAGCCCCTCTA-3'

ClinVar aggregate classification (germline): Pathogenic/Likely pathogenic. Review status: criteria provided, multiple submitters, no conflicts (2 of 4 stars). 2 submissions from 2 submitters: Pathogenic (1); Likely pathogenic (1). Last evaluated 2023-07-17.

Conditions:
Chuvash polycythemia. Also called: POLYCYTHEMIA, VHL-DEPENDENT. Identifiers: Orphanet 238557, MedGen C1837915, MONDO:0009892, OMIM 263400.
Von Hippel-Lindau syndrome (VHLS). Also called: Von Hippel-Lindau; von Hippel–Lindau syndrome; VHL syndrome. Identifiers: Orphanet 892, MedGen C0019562, MONDO:0008667, OMIM 193300. Disease mechanism: loss of function.
VHL-related disorder. Also called: VHL-related condition.

Submissions (2):

Labcorp Genetics (formerly Invitae), Labcorp
Classification: Pathogenic for Von Hippel-Lindau syndrome; Chuvash polycythemia. Last evaluated: 2023-07-17. Review status: criteria provided, single submitter. Criteria: Invitae Variant Classification Sherloc (09022015). Collection method: clinical testing. Allele origin: germline.
Comment: Algorithms developed to predict the effect of sequence changes on RNA splicing suggest that this variant may disrupt the consensus splice site. For these reasons, this variant has been classified as Pathogenic. Disruption of this splice site has been observed in individuals with clinical features of von Hippel-Lindau syndrome (PMID: 9829912, 30900640). This variant is not present in population databases (gnomAD no frequency). This sequence change affects a donor splice site in intron 1 of the VHL gene. It is expected to disrupt RNA splicing. Variants that disrupt the donor or acceptor splice site typically lead to a loss of protein function (PMID: 16199547), and loss-of-function variants in VHL are known to be pathogenic (PMID: 8956040, 12202531).

Blueprint Genetics
Classification: Likely pathogenic for VHL-related disorders. Last evaluated: 2019-12-09. Review status: criteria provided, single submitter. Criteria: ACMG Guidelines, 2015. Collection method: clinical testing. Allele origin: germline. Affected: yes. Observed: 1 variant allele.

Literature cited by the submitters: PubMed 9829912 (cited by Labcorp Genetics (formerly Invitae), Labcorp); PubMed 30900640 (cited by Labcorp Genetics (formerly Invitae), Labcorp); PubMed 16199547 (cited by Labcorp Genetics (formerly Invitae), Labcorp); PubMed 8956040 (cited by Labcorp Genetics (formerly Invitae), Labcorp); PubMed 12202531 (cited by Labcorp Genetics (formerly Invitae), Labcorp).